The following is an entry in ClinVar:

ClinVar aggregate classification (germline): Conflicting classifications of pathogenicity. Review status: criteria provided, conflicting classifications (1 of 4 stars). 2 submissions from 2 submitters: Uncertain significance (1); Likely benign (1). Last evaluated 2021-04-13.

gnomAD v4.1: 5 of 1,613,276 alleles (0.00031%); highest among the groups gnomAD compares: Admixed American, 0.0033%; no homozygotes.

Submissions (2):

Blueprint Genetics
Classification: Likely benign. Last evaluated: 2021-04-13. Review status: criteria provided, single submitter. Criteria: ACMG Guidelines, 2015. Collection method: clinical testing. Allele origin: germline.

GeneDx
Classification: Uncertain significance. Last evaluated: 2019-08-23. Review status: criteria provided, single submitter. Criteria: GeneDx Variant Classification Process June 2021. Collection method: clinical testing. Allele origin: germline. Affected: yes.
Comment: Not observed in large population cohorts (Lek et al., 2016); Missense variant in a gene in which most reported pathogenic variants are truncating/loss-of-function; Has not been previously published as pathogenic or benign to our knowledge

NM_001267550.2(TTN):c.58000G>C (p.Val19334Leu)

Genes: TTN (titin; minus strand), TTN-AS1 (TTN antisense RNA 1; plus strand). Cytogenetic location: 2q31.2.
Variant type: single nucleotide variant.
Coding change: c.58000G>C on transcript NM_001267550.2 (MANE Select); coding-DNA position 58000, G replaced by C.
Protein change: p.Val19334Leu; replaces valine 19334 with leucine.
Molecular consequence: missense variant.
Genome position (GRCh38, 1-based): chr2:178,594,494, C>G on the plus strand (G>C on the coding strand, the complement: TTN is on the minus strand). VCF-style: chr2-178594494-C-G. GRCh37 (hg19) VCF-style: chr2-179459221-C-G.
Other names: c.53077G>C, p.Val17693Leu (NM_001256850.1); c.30805G>C, p.Val10269Leu (NM_003319.4); c.50296G>C, p.Val16766Leu (NM_133378.4); c.31180G>C, p.Val10394Leu (NM_133432.3); c.31381G>C, p.Val10461Leu (NM_133437.4); short protein forms V10269L, V10394L, V10461L, V16766L, V17693L, V19334L.
Identifiers: ClinVar variation 1308065 (VCV001308065.3), dbSNP rs769006307, ClinGen allele CA349510341.